The following is an entry in ClinVar:

NM_007294.4(BRCA1):c.4358-2324C>T

Gene: BRCA1 (BRCA1 DNA repair associated; minus strand). Cytogenetic location: 17q21.31.
Variant type: single nucleotide variant.
Coding change: c.4358-2324C>T on transcript NM_007294.4 (MANE Select); 2324 bases into the intron before coding-DNA position 4358, C replaced by T.
Molecular consequence: intron variant.
Genome position (GRCh38, 1-based): chr17:43,078,938, G>A on the plus strand (C>T on the coding strand, the complement: BRCA1 is on the minus strand). VCF-style: chr17-43078938-G-A. GRCh37 (hg19) VCF-style: chr17-41230955-G-A.
Other names: IVS 13-2324C>T; c.1114+396C>T (NM_001407971.1, NM_001407970.1); c.1040-2324C>T (NM_001408406.1, NM_001408408.1); c.4355-2327C>T (NM_001407641.1, NM_001407636.1, NM_001407639.1 and 8 more transcripts); c.4355-2324C>T (NM_001407624.1, NM_001407612.1, NM_001407615.1 and 7 more transcripts); c.4358-2327C>T (NM_001407858.1, NM_001407616.1, NM_001407859.1 and 7 more transcripts); c.4423+396C>T (NM_007300.4, NM_001407581.1, NM_001407582.1 and 2 more transcripts); c.3851-2324C>T (NM_001407965.1); and 99 more.
Identifiers: ClinVar variation 209394 (VCV000209394.2), dbSNP rs111819895, ClinGen allele CA276366.

ClinVar aggregate classification (germline): Benign (3 of 4 stars; one submission).

Conditions:
Breast-ovarian cancer, familial, susceptibility to, 1 (BROVCA1). Also called: BRCA1 Hereditary Breast and Ovarian Cancer; OVARIAN CANCER, SUSCEPTIBILITY TO. Identifiers: Orphanet 145, MedGen C2676676, MONDO:0011450, OMIM 604370. Disease mechanism: loss of function.

Allele frequency attached by ClinVar (database versions not stated): 1000 Genomes Project 30x 0.00297; 1000 Genomes Project 0.00339; gnomAD 0.00372 and 0.00406; TOPMed 0.00444.
gnomAD v4.1: 562 of 152,322 alleles (0.37%); highest among the groups gnomAD compares: African/African-American, 1.2%; 3 homozygotes.

Submission:

Evidence-based Network for the Interpretation of Germline Mutant Alleles (ENIGMA)
Classification: Benign for Breast-ovarian cancer, familial 1. Last evaluated: 2015-01-12. Review status: reviewed by expert panel. Criteria: ENIGMA BRCA1/2 Classification Criteria (2015). Collection method: curation. Allele origin: germline.
Comment: Class 1 not pathogenic based on frequency >1% in an outbred sampleset. Frequency 0.0122 (African), derived from 1000 genomes (2012-04-30).